The following is an entry in ClinVar:

NM_001110556.2(FLNA):c.1743C>A (p.Ala581=)

Gene: FLNA (filamin A; minus strand). Cytogenetic location: Xq28.
Variant type: single nucleotide variant.
Coding change: c.1743C>A on transcript NM_001110556.2 (MANE Select); coding-DNA position 1743, C replaced by A.
Protein change: p.Ala581=; no amino-acid change (alanine 581 retained).
Molecular consequence: synonymous variant.
Genome position (GRCh38, 1-based): chrX:154,364,906, G>T on the plus strand (C>A on the coding strand, the complement: FLNA is on the minus strand). VCF-style: chrX-154364906-G-T. GRCh37 (hg19) VCF-style: chrX-153593274-G-T.
Other names: p.Ala581=; c.1743C>A, p.Ala581= (NM_001456.4).
Identifiers: ClinVar variation 1545033 (VCV001545033.11), dbSNP rs1569551790, ClinGen allele CA519708933.

ClinVar aggregate classification (germline): Likely benign. Review status: criteria provided, multiple submitters, no conflicts (2 of 4 stars). 3 submissions from 3 submitters: Likely benign (3). Last evaluated 2025-10-20.

Conditions:
Heterotopia, periventricular, X-linked dominant (PVNH1). Also called: PERIVENTRICULAR NODULAR HETEROTOPIA 1; X-linked periventricular heterotopia; PERIVENTRICULAR NODULAR HETEROTOPIA 4; HETEROTOPIA, PERIVENTRICULAR, 1. Identifiers: Orphanet 2149, Orphanet 82004, MedGen C1848213, MONDO:0010233, OMIM 300049.
Melnick-Needles syndrome (MNS). Also called: Melnick-Needles Syndrome (FLNA-MNS); MELNICK-NEEDLES OSTEODYSPLASTY; OSTEODYSPLASTY OF MELNICK AND NEEDLES. Identifiers: Orphanet 2484, MedGen C0025237, MONDO:0010650, OMIM 309350.
Frontometaphyseal dysplasia (FMD1). Identifiers: Orphanet 1826, MedGen C0265293, MONDO:0015942.
Oto-palato-digital syndrome, type II (OPD2). Also called: Otopalatodigital Syndrome Type 2 (FLNA-OPD2); FACIOPALATOOSSEOUS SYNDROME; OPD II SYNDROME; Otopalatodigital Syndrome, Type II. Identifiers: Orphanet 669, Orphanet 90652, MedGen C1844696, MONDO:0010571, OMIM 304120.
Familial thoracic aortic aneurysm and aortic dissection (TAAD). Also called: Thoracic aortic aneurysms and dissections. Identifiers: Orphanet 91387, MedGen C4707243, MONDO:0019625.

gnomAD v4.1: 8 of 1,211,477 alleles (0.00066%); highest among the groups gnomAD compares: Non-Finnish European, 0.00089%; no homozygotes.

Submissions (3):

Mayo Clinic Laboratories, Mayo Clinic
Classification: Likely benign. Last evaluated: 2025-10-20. Review status: criteria provided, single submitter. Criteria: ACMG Guidelines, 2015. Collection method: clinical testing. Allele origin: germline. Observed: 1 variant allele.
Comment: BP4, BP7

Labcorp Genetics (formerly Invitae), Labcorp
Classification: Likely benign for Oto-palato-digital syndrome, type II; Heterotopia, periventricular, X-linked dominant; Frontometaphyseal dysplasia; Melnick-Needles syndrome. Last evaluated: 2023-07-21. Review status: criteria provided, single submitter. Criteria: Invitae Variant Classification Sherloc (09022015). Collection method: clinical testing. Allele origin: germline.

Ambry Genetics
Classification: Likely benign for Familial thoracic aortic aneurysm and aortic dissection. Last evaluated: 2021-02-19. Review status: criteria provided, single submitter. Criteria: Ambry Variant Classification Scheme 2023. Collection method: clinical testing. Allele origin: germline.